The following is an entry in ClinVar:

NM_031475.3(ESPN):c.2254G>A (p.Glu752Lys)

Gene: ESPN (espin; plus strand). Cytogenetic location: 1p36.31.
Variant type: single nucleotide variant.
Coding change: c.2254G>A on transcript NM_031475.3 (MANE Select); coding-DNA position 2254, G replaced by A.
Protein change: p.Glu752Lys; replaces glutamic acid 752 with lysine.
Molecular consequence: missense variant.
Genome position (GRCh38, 1-based): chr1:6,452,025, G>A. VCF-style: chr1-6452025-G-A. GRCh37 (hg19) VCF-style: chr1-6512085-G-A.
Other names: c.2254G>A (NM_031475.2); c.2164G>A, p.Glu722Lys (NM_001367473.1); c.2191G>A, p.Glu731Lys (NM_001367474.1); short protein forms E722K, E752K, E731K.
Identifiers: ClinVar variation 4934063 (VCV004934063.2).

ClinVar aggregate classification (germline): Uncertain significance. Review status: criteria provided, multiple submitters, no conflicts (2 of 4 stars). 2 submissions from 2 submitters: Uncertain significance (2). Last evaluated 2026-02-11.

Conditions:
ESPN-related disorder. Also called: ESPN-related condition.

gnomAD v4.1: 43 of 1,591,646 alleles (0.0027%); highest among the groups gnomAD compares: African/African-American, 0.004%; no homozygotes.

Submissions (2):

PreventionGenetics, part of Exact Sciences
Classification: Uncertain significance for ESPN-related condition. Last evaluated: 2026-02-11. Review status: criteria provided, single submitter. Criteria: ACMG Guidelines, 2015. Collection method: clinical testing. Allele origin: germline.
Comment: The ESPN c.2254G>A variant is predicted to result in the amino acid substitution p.Glu752Lys. To our knowledge, this variant has not been reported in the literature. This variant is reported in 0.0047% of alleles in individuals of African descent in gnomAD. At this time, the clinical significance of this variant is uncertain due to the absence of conclusive functional and genetic evidence.

Blueprint Genetics
Classification: Uncertain significance. Last evaluated: 2024-03-07. Review status: criteria provided, single submitter. Criteria: ACMG Guidelines, 2015. Collection method: clinical testing. Allele origin: germline.